The following is an entry in ClinVar:

NM_001430.5(EPAS1):c.701A>C (p.His234Pro)

Genes: EPAS1 (endothelial PAS domain protein 1; plus strand), LOC126806210 (BRD4-independent group 4 enhancer GRCh37_chr2:46587586-46588785; plus strand). Cytogenetic location: 2p21.
Variant type: single nucleotide variant.
Coding change: c.701A>C on transcript NM_001430.5 (MANE Select); coding-DNA position 701, A replaced by C.
Protein change: p.His234Pro; replaces histidine 234 with proline.
Molecular consequence: missense variant.
Genome position (GRCh38, 1-based): chr2:46,361,012, A>C. VCF-style: chr2-46361012-A-C. GRCh37 (hg19) VCF-style: chr2-46588151-A-C.
Other names: short protein forms H234P.
Identifiers: ClinVar variation 3275738 (VCV003275738.1).

ClinVar aggregate classification (germline): Uncertain significance (1 of 4 stars; one submission).

Conditions:
Inborn genetic diseases. Identifiers: MedGen C0950123, MeSH D030342.

gnomAD v4.1: 1 of 1,614,062 alleles (0.000062%); highest among the groups gnomAD compares: Non-Finnish European, 0.000085%; no homozygotes.

Submission:

Ambry Genetics
Classification: Uncertain significance for Inborn genetic diseases. Last evaluated: 2024-06-13. Review status: criteria provided, single submitter. Criteria: Ambry Variant Classification Scheme 2023. Collection method: clinical testing. Allele origin: germline.
Comment: The p.H234P variant (also known as c.701A>C), located in coding exon 6 of the EPAS1 gene, results from an A to C substitution at nucleotide position 701. The histidine at codon 234 is replaced by proline, an amino acid with similar properties. This amino acid position is conserved. In addition, this alteration is predicted to be tolerated by in silico analysis. Based on the available evidence, the clinical significance of this variant remains unclear.